The following is an entry in ClinVar:

NM_000330.4(RS1):c.257C>T (p.Pro86Leu)

Genes: CDKL5 (cyclin dependent kinase like 5; plus strand), RS1 (retinoschisin 1; minus strand). Cytogenetic location: Xp22.13.
Variant type: single nucleotide variant.
Coding change: c.257C>T on transcript NM_000330.4 (MANE Select); coding-DNA position 257, C replaced by T.
Protein change: p.Pro86Leu; replaces proline 86 with leucine.
Molecular consequence: missense variant. On other transcripts: intron variant (2).
Genome position (GRCh38, 1-based): chrX:18,647,260, G>A on the plus strand (C>T on the coding strand, the complement: RS1 is on the minus strand). VCF-style: chrX-18647260-G-A. GRCh37 (hg19) VCF-style: chrX-18665380-G-A.
Other names: c.2797+1170G>A (NM_003159.3, NM_001037343.2); short protein forms P86L.
Identifiers: ClinVar variation 971861 (VCV000971861.9), dbSNP rs761385911, ClinGen allele CA10360711.
Genomic context (GRCh38, chrX:18,647,260, plus strand): 5'-TGACTGTTGAGCCGGGCCTTGTTTGCAGTCCACGAAGAATACCAGCCCACATACTGCTCC[G>A]GGTTAGAGCAGGTGATCTGGTCCGGTGTGACCTCCCCTGACTCGAAACCCAGAGGCTTGT-3'
Protein context (NP_000321.1, residues 76-96): VTPDQITCSN[Pro86Leu]EQYVGWYSSW

ClinVar aggregate classification (germline): Uncertain significance. Review status: criteria provided, single submitter (1 of 4 stars). 2 submissions from 2 submitters: Uncertain significance (1). 1 of the submissions does not count toward it. Last evaluated 2024-06-25.

Conditions:
Juvenile retinoschisis (RS1). Also called: X-linked retinoschisis; X-Linked Juvenile Retinoschisis. Identifiers: Orphanet 792, MedGen C3714753, MONDO:0010725, OMIM 312700.

Allele frequency attached by ClinVar (database versions not stated): ExAC 0.00002; gnomAD 0.00001 and 0.00002; gnomAD exomes 0.00001 and 0.00002.
gnomAD v4.1: 11 of 1,207,111 alleles (0.00091%); highest among the groups gnomAD compares: South Asian, 0.0035%; no homozygotes.

Submissions (2):

Labcorp Genetics (formerly Invitae), Labcorp
Classification: Uncertain significance. Last evaluated: 2024-06-25. Review status: criteria provided, single submitter. Criteria: Invitae Variant Classification Sherloc (09022015). Collection method: clinical testing. Allele origin: germline.
Comment: This sequence change replaces proline, which is neutral and non-polar, with leucine, which is neutral and non-polar, at codon 86 of the RS1 protein (p.Pro86Leu). This variant is present in population databases (rs761385911, gnomAD 0.005%). This variant has not been reported in the literature in individuals affected with RS1-related conditions. ClinVar contains an entry for this variant (Variation ID: 971861). Advanced modeling of protein sequence and biophysical properties (such as structural, functional, and spatial information, amino acid conservation, physicochemical variation, residue mobility, and thermodynamic stability) performed at Invitae indicates that this missense variant is not expected to disrupt RS1 protein function with a negative predictive value of 95%. In summary, the available evidence is currently insufficient to determine the role of this variant in disease. Therefore, it has been classified as a Variant of Uncertain Significance.

Natera, Inc.
Classification: Uncertain significance for X-linked retinoschisis. Last evaluated: 2020-11-10. Review status: no assertion criteria provided. Collection method: clinical testing. Allele origin: germline. Not counted in ClinVar's aggregate classification.